The following is an entry in ClinVar:

NM_001375524.1(TRRAP):c.8239C>T (p.Pro2747Ser)

Gene: TRRAP (transformation/transcription domain associated protein; plus strand). Cytogenetic location: 7q22.1.
Variant type: single nucleotide variant.
Coding change: c.8239C>T on transcript NM_001375524.1 (MANE Select); coding-DNA position 8239, C replaced by T.
Protein change: p.Pro2747Ser; replaces proline 2747 with serine.
Molecular consequence: missense variant.
Genome position (GRCh38, 1-based): chr7:98,976,762, C>T. VCF-style: chr7-98976762-C-T. GRCh37 (hg19) VCF-style: chr7-98574385-C-T.
Other names: c.8218C>T, p.Pro2740Ser (NM_001244580.2); c.8164C>T, p.Pro2722Ser (NM_003496.4); short protein forms P2747S, P2740S, P2722S.
Identifiers: ClinVar variation 3684657 (VCV003684657.2).

ClinVar aggregate classification (germline): Uncertain significance (1 of 4 stars; one submission).

gnomAD v4.1: 10 of 1,612,964 alleles (0.00062%); highest among the groups gnomAD compares: Non-Finnish European, 0.00068%; no homozygotes.

Submission:

Labcorp Genetics (formerly Invitae), Labcorp
Classification: Uncertain significance. Last evaluated: 2024-08-13. Review status: criteria provided, single submitter. Criteria: Invitae Variant Classification Sherloc (09022015). Collection method: clinical testing. Allele origin: germline.
Comment: This sequence change replaces proline, which is neutral and non-polar, with serine, which is neutral and polar, at codon 2722 of the TRRAP protein (p.Pro2722Ser). This variant is present in population databases (rs781183738, gnomAD 0.005%). This variant has not been reported in the literature in individuals affected with TRRAP-related conditions. Advanced modeling of protein sequence and biophysical properties (such as structural, functional, and spatial information, amino acid conservation, physicochemical variation, residue mobility, and thermodynamic stability) performed at Invitae indicates that this missense variant is not expected to disrupt TRRAP protein function with a negative predictive value of 80%. In summary, the available evidence is currently insufficient to determine the role of this variant in disease. Therefore, it has been classified as a Variant of Uncertain Significance.